The following is an entry in ClinVar:

ClinVar aggregate classification (germline): Uncertain significance (1 of 4 stars; one submission).

Conditions:
Lymphatic malformation 6 (LMPHM6). Also called: GENERALIZED LYMPHATIC DYSPLASIA OF FOTIOU; Lymphedema, hereditary, III; PIEZO1-related generalized lymphatic dysplasia with non-immune hydrops fetalis. Identifiers: Orphanet 568062, MedGen C4225184, MONDO:0014797, OMIM 616843.

Allele frequency attached by ClinVar (database versions not stated): TOPMed 0.00002.
gnomAD v4.1: 4 of 1,546,704 alleles (0.00026%); highest among the groups gnomAD compares: Non-Finnish European, 0.00035%; no homozygotes.

Submission:

Baylor Genetics
Classification: Uncertain significance for Lymphatic malformation 6. Last evaluated: 2020-06-10. Review status: criteria provided, single submitter. Criteria: ACMG Guidelines, 2015. Collection method: clinical testing. Allele origin: unknown. Affected: yes.
Comment: This variant was determined to be of uncertain significance according to ACMG Guidelines, 2015 [PMID:25741868].

NM_001142864.4(PIEZO1):c.5743C>G (p.Arg1915Gly)

Gene: PIEZO1 (piezo type mechanosensitive ion channel component 1 (Er blood group); minus strand). Cytogenetic location: 16q24.3.
Variant type: single nucleotide variant.
Coding change: c.5743C>G on transcript NM_001142864.4 (MANE Select); coding-DNA position 5743, C replaced by G.
Protein change: p.Arg1915Gly; replaces arginine 1915 with glycine.
Molecular consequence: missense variant.
Genome position (GRCh38, 1-based): chr16:88,720,674, G>C on the plus strand (C>G on the coding strand, the complement: PIEZO1 is on the minus strand). VCF-style: chr16-88720674-G-C. GRCh37 (hg19) VCF-style: chr16-88787082-G-C.
Other names: short protein forms R1915G.
Identifiers: ClinVar variation 1030206 (VCV001030206.1), dbSNP rs13338527, ClinGen allele CA397088786.